The following is an entry in ClinVar:

NM_000350.3(ABCA4):c.5959_5964delinsTG (p.Thr1986_Gly1987insTer)

Gene: ABCA4 (ATP binding cassette subfamily A member 4; minus strand). Cytogenetic location: 1p22.1.
Variant type: Indel.
Coding change: c.5959_5964delinsTG on transcript NM_000350.3 (MANE Select); coding-DNA positions 5959 to 5964, GGGGAC replaced by TG.
Protein change: p.Thr1986_Gly1987insTer.
Molecular consequence: nonsense. On other transcripts: frameshift variant (1).
Genome position (GRCh38, 1-based): chr1:94,007,675-94,007,680, GTCCCC replaced by CA on the plus strand (GGGGAC replaced by TG on the coding strand, the reverse complement: ABCA4 is on the minus strand). VCF-style: chr1-94007675-GTCCCC-CA. GRCh37 (hg19) VCF-style: chr1-94473231-GTCCCC-CA.
Other names: c.5737_5742delGGGGACinsTG, p.Gly1913Terfs (NM_001425324.1).
Identifiers: ClinVar variation 967712 (VCV000967712.7), dbSNP rs1659427600, ClinGen allele CA1139656188.

ClinVar aggregate classification (germline): Pathogenic/Likely pathogenic. Review status: criteria provided, multiple submitters, no conflicts (2 of 4 stars). 2 submissions from 2 submitters: Pathogenic (1); Likely pathogenic (1). Last evaluated 2024-02-24.

Conditions:
Retinitis pigmentosa 19 (RP19). Also called: ABCA4-Related Retinitis Pigmentosa. Identifiers: Orphanet 791, MedGen C1866422, MONDO:0011137, OMIM 601718.
Cone-rod dystrophy 3 (CORD3). Identifiers: Orphanet 1872, MedGen C1858806, MONDO:0011395, OMIM 604116.
Age related macular degeneration 2. Also called: MACULOPATHY, AGE-RELATED; MACULAR DEGENERATION, SENILE; MACULOPATHY, AGE-RELATED, 2. Identifiers: MedGen C3495438, MONDO:0007932, OMIM 153800.
Severe early-childhood-onset retinal dystrophy (STGD1). Also called: STGD; Stargardt macular dystrophy; Juvenile onset macular degeneration; Stargardt disease 1; MACULAR DYSTROPHY WITH FLECKS, TYPE 1. Identifiers: Orphanet 364055, Orphanet 827, MedGen C1855465, MeSH D000080362, MONDO:0009549, OMIM 248200.

Submissions (2):

Labcorp Genetics (formerly Invitae), Labcorp
Classification: Pathogenic. Last evaluated: 2024-02-24. Review status: criteria provided, single submitter. Criteria: Invitae Variant Classification Sherloc (09022015). Collection method: clinical testing. Allele origin: germline.
Comment: This sequence change creates a premature translational stop signal (p.Gly1987*) in the ABCA4 gene. It is expected to result in an absent or disrupted protein product. Loss-of-function variants in ABCA4 are known to be pathogenic (PMID: 10958761, 24938718, 25312043, 26780318). Information on the frequency of this variant in the gnomAD database is not available, as this variant may be reported differently in the database. This variant has not been reported in the literature in individuals affected with ABCA4-related conditions. For these reasons, this variant has been classified as Pathogenic.

Fulgent Genetics
Classification: Likely pathogenic for Age related macular degeneration 2; Severe early-childhood-onset retinal dystrophy; Retinitis pigmentosa 19; Cone-rod dystrophy 3. Last evaluated: 2022-02-16. Review status: criteria provided, single submitter. Criteria: ACMG Guidelines, 2015. Collection method: clinical testing. Allele origin: unknown.

Literature cited by the submitters: PubMed 10958761 (cited by Labcorp Genetics (formerly Invitae), Labcorp); PubMed 24938718 (cited by Labcorp Genetics (formerly Invitae), Labcorp); PubMed 25312043 (cited by Labcorp Genetics (formerly Invitae), Labcorp); PubMed 26780318 (cited by Labcorp Genetics (formerly Invitae), Labcorp).